The following is an entry in ClinVar:

ClinVar aggregate classification (germline): Likely pathogenic (1 of 4 stars; one submission).

Conditions:
Filippi syndrome (FLPIS). Identifiers: Orphanet 3255, MedGen C0795940, MONDO:0010092, OMIM 272440.

Submission:

Variantyx, Inc.
Classification: Likely pathogenic for Filippi syndrome. Last evaluated: 2025-04-17. Review status: criteria provided, single submitter. Criteria: Variantyx Assertion Criteria 2022. Collection method: clinical testing. Allele origin: germline. Inheritance: Autosomal recessive inheritance. Affected: no.
Comment: This is a frameshift variant in the CKAP2L gene (OMIM: 616174). Pathogenic variants in this gene have been associated with autosomal recessive Filippi syndrome. This variant introduces a premature termination codon in exon 7 out of 9 and is expected to result in loss of function, which is a known disease mechanism for CKAP2L in this disorder (PMID:18553552) (PVS1). This variant has a 0.0024% maximum allele frequency in non-founder control populations (PM2), and it has not been reported in individuals with CKAP2L-related disorders in the databases available for review. Based on the current evidence, this variant is classified as likely pathogenic for autosomal recessive Filippi syndrome.

Literature cited by the submitters: PubMed 18553552.

NM_152515.5(CKAP2L):c.1762del (p.Ile588fs)

Genes: CKAP2L (cytoskeleton associated protein 2L; minus strand), NT5DC4 (5'-nucleotidase domain containing 4; plus strand). Cytogenetic location: 2q14.1.
Variant type: Deletion.
Coding change: c.1762del on transcript NM_152515.5 (MANE Select); coding-DNA position 1762, one base deleted (A; older notation c.1762delA).
Protein change: p.Ile588fs; shifts the reading frame from isoleucine 588.
Molecular consequence: frameshift variant. On other transcripts: non-coding transcript variant (1), 3 prime UTR variant (1).
Genome position (GRCh38, 1-based): chr2:112,742,766, T deleted on the plus strand (A on the coding strand, the reverse complement: CKAP2L is on the minus strand); the first of 2 consecutive T bases (chr2:112,742,766-112,742,767); deleting either gives the same sequence. VCF-style (leftmost placement, unchanged base first): chr2-112742765-AT-A. GRCh37 (hg19) VCF-style: chr2-113500342-AT-A.
Other names: c.1267del, p.Ile423fs (NM_001304361.2); c.*317del (NM_001350494.2); short protein forms I423fs, I588fs.
Identifiers: ClinVar variation 4852258 (VCV004852258.1).